The following is an entry in ClinVar:

ClinVar aggregate classification (germline): Uncertain significance (1 of 4 stars; one submission).

Conditions:
Multiple endocrine neoplasia, type 2 (MEN2). Identifiers: Orphanet 653, MedGen C4048306, MONDO:0019003. Disease mechanism: gain of function.

Submission:

Labcorp Genetics (formerly Invitae), Labcorp
Classification: Uncertain significance for Multiple endocrine neoplasia, type 2. Last evaluated: 2019-12-30. Review status: criteria provided, single submitter. Criteria: Invitae Variant Classification Sherloc (09022015). Collection method: clinical testing. Allele origin: germline.
Comment: In summary, the available evidence is currently insufficient to determine the role of this variant in disease. Therefore, it has been classified as a Variant of Uncertain Significance. Algorithms developed to predict the effect of missense changes on protein structure and function are either unavailable or do not agree on the potential impact of this missense change (SIFT: "Deleterious"; PolyPhen-2: "Benign"; Align-GVGD: "Class C45"). This variant has not been reported in the literature in individuals with RET-related conditions. This variant is not present in population databases (ExAC no frequency). This sequence change replaces asparagine with tyrosine at codon 429 of the RET protein (p.Asn429Tyr). The asparagine residue is highly conserved and there is a large physicochemical difference between asparagine and tyrosine.

NM_020975.6(RET):c.1285A>T (p.Asn429Tyr)

Gene: RET (ret proto-oncogene; plus strand). Cytogenetic location: 10q11.21.
Variant type: single nucleotide variant.
Coding change: c.1285A>T on transcript NM_020975.6 (MANE Select); coding-DNA position 1285, A replaced by T.
Protein change: p.Asn429Tyr; replaces asparagine 429 with tyrosine.
Molecular consequence: missense variant.
Genome position (GRCh38, 1-based): chr10:43,111,228, A>T. VCF-style: chr10-43111228-A-T. GRCh37 (hg19) VCF-style: chr10-43606676-A-T.
Other names: c.1285A>T, p.Asn429Tyr (NM_000323.2, NM_001406743.1, NM_001406744.1 and 6 more transcripts); c.523A>T, p.Asn175Tyr (NM_001355216.2); c.1156A>T, p.Asn386Tyr (NM_001406761.1, NM_001406762.1, NM_001406764.1 and 1 more transcripts); c.997A>T, p.Asn333Tyr (NM_001406766.1, NM_001406767.1, NM_001406770.1); c.889A>T, p.Asn297Tyr (NM_001406769.1, NM_001406772.1); c.847A>T, p.Asn283Tyr (NM_001406771.1, NM_001406773.1); c.760A>T, p.Asn254Tyr (NM_001406774.1); c.559A>T, p.Asn187Tyr (NM_001406775.1, NM_001406776.1, NM_001406777.1 and 1 more transcripts); and 1 more; short protein forms N429Y, N175Y, N283Y, N187Y, N297Y, N386Y, N99Y, N254Y.
Identifiers: ClinVar variation 838326 (VCV000838326.11), dbSNP rs779625196, ClinGen allele CA376548885.
Genomic context (GRCh38, chr10:43,111,228, plus strand): 5'-CCAGCTGCCTGGCTAAGGTGTTCCCCTGTGCCCCCCTAGATCGGGAAAGTCTGTGTGGAA[A>T]ACTGCCAGGCATTCAGTGGCATCAACGTCCAGTACAAGCTGCATTCCTCTGGTGCCAACT-3'
Protein context (NP_066124.1, residues 419-439): FAQIGKVCVE[Asn429Tyr]CQAFSGINVQ